The following is an entry in ClinVar:

ClinVar aggregate classification (germline): Conflicting classifications of pathogenicity. Review status: criteria provided, conflicting classifications (1 of 4 stars). 9 submissions from 9 submitters: Uncertain significance (4); Benign (1); Likely benign (2). 2 of the submissions do not count toward it. Last evaluated 2026-01-15.

Conditions:
Inborn genetic diseases. Identifiers: MedGen C0950123, MeSH D030342.
Cohen syndrome (COH1). Also called: PEPPER SYNDROME; Cutis verticis gyrata, retinitis pigmentosa, and sensorineural deafness. Identifiers: Orphanet 193, MedGen C0265223, MONDO:0008999, OMIM 216550.
VPS13B-related disorder. Also called: VPS13B-related condition.

Allele frequency attached by ClinVar (database versions not stated): gnomAD exomes 0.00012; TOPMed 0.00012; gnomAD 0.00013.
gnomAD v4.1: 191 of 1,613,964 alleles (0.012%); highest among the groups gnomAD compares: South Asian, 0.013%; no homozygotes.

Submissions (9):

Labcorp Genetics (formerly Invitae), Labcorp
Classification: Likely benign for Cohen syndrome. Last evaluated: 2026-01-15. Review status: criteria provided, single submitter. Criteria: Invitae Variant Classification Sherloc (09022015). Collection method: clinical testing. Allele origin: germline.

Blueprint Genetics
Classification: Benign. Last evaluated: 2024-09-24. Review status: criteria provided, single submitter. Criteria: ACMG Guidelines, 2015. Collection method: clinical testing. Allele origin: germline.

Ambry Genetics
Classification: Likely benign for Inborn genetic diseases. Last evaluated: 2022-09-08. Review status: criteria provided, single submitter. Criteria: Ambry Variant Classification Scheme 2023. Collection method: clinical testing. Allele origin: germline.

Fulgent Genetics
Classification: Uncertain significance for Cohen syndrome. Last evaluated: 2018-10-31. Review status: criteria provided, single submitter. Criteria: ACMG Guidelines, 2015. Collection method: clinical testing. Allele origin: unknown.

Illumina Laboratory Services, Illumina
Classification: Uncertain significance for Cohen syndrome. Last evaluated: 2018-01-12. Review status: criteria provided, single submitter. Criteria: ICSL Variant Classification Criteria 13 December 2019. Collection method: clinical testing. Allele origin: germline.

Genetic Services Laboratory, University of Chicago
Classification: Uncertain significance. Last evaluated: 2015-09-21. Review status: criteria provided, single submitter. Criteria: ACMG Guidelines, 2015. Collection method: clinical testing. Allele origin: germline. Affected: no.

Breakthrough Genomics
Classification: Uncertain significance. Review status: criteria provided, single submitter. Criteria: ACMG Guidelines, 2015. Collection method: not provided. Allele origin: germline. Inheritance: Autosomal recessive inheritance. Affected: yes.

PreventionGenetics, part of Exact Sciences
Classification: Likely benign for VPS13B-related condition. Last evaluated: 2022-02-08. Review status: no assertion criteria provided. Collection method: clinical testing. Allele origin: germline. Not counted in ClinVar's aggregate classification.
Comment: This variant is classified as likely benign based on ACMG/AMP sequence variant interpretation guidelines (Richards et al. 2015 PMID: 25741868, with internal and published modifications).

Natera, Inc.
Classification: Uncertain significance for Cohen syndrome. Last evaluated: 2020-01-24. Review status: no assertion criteria provided. Collection method: clinical testing. Allele origin: germline. Not counted in ClinVar's aggregate classification.

NM_152564.5(VPS13B):c.3017C>G (p.Ala1006Gly)

Gene: VPS13B (vacuolar protein sorting 13 homolog B; plus strand). Cytogenetic location: 8q22.2.
Variant type: single nucleotide variant.
Coding change: c.3017C>G on transcript NM_152564.5 (MANE Select); coding-DNA position 3017, C replaced by G.
Protein change: p.Ala1006Gly; replaces alanine 1006 with glycine.
Molecular consequence: missense variant.
Genome position (GRCh38, 1-based): chr8:99,391,639, C>G. VCF-style: chr8-99391639-C-G. GRCh37 (hg19) VCF-style: chr8-100403867-C-G.
Other names: c.3017C>G (NM_017890.3, NM_152564.4); c.3017C>G, p.Ala1006Gly (NM_017890.5); short protein forms A1006G.
Identifiers: ClinVar variation 437255 (VCV000437255.22), dbSNP rs201566948, ClinGen allele CA4823133.